The following is an entry in ClinVar:

NM_006231.4(POLE):c.2413C>T (p.Gln805Ter)

Gene: POLE (DNA polymerase epsilon, catalytic subunit; minus strand). Cytogenetic location: 12q24.33.
Variant type: single nucleotide variant.
Coding change: c.2413C>T on transcript NM_006231.4 (MANE Select); coding-DNA position 2413, C replaced by T.
Protein change: p.Gln805Ter; replaces glutamine 805 with a stop codon.
Molecular consequence: nonsense.
Genome position (GRCh38, 1-based): chr12:132,665,357, G>A on the plus strand (C>T on the coding strand, the complement: POLE is on the minus strand). VCF-style: chr12-132665357-G-A. GRCh37 (hg19) VCF-style: chr12-133241943-G-A.
Other names: short protein forms Q805*.
Identifiers: ClinVar variation 1358933 (VCV001358933.8), dbSNP rs2135961598, ClinGen allele CA387397204.

ClinVar aggregate classification (germline): Pathogenic (1 of 4 stars; one submission).

Submission:

Labcorp Genetics (formerly Invitae), Labcorp
Classification: Pathogenic. Last evaluated: 2022-05-12. Review status: criteria provided, single submitter. Criteria: Invitae Variant Classification Sherloc (09022015). Collection method: clinical testing. Allele origin: germline.
Comment: For these reasons, this variant has been classified as Pathogenic. This variant has not been reported in the literature in individuals affected with POLE-related conditions. This variant is not present in population databases (gnomAD no frequency). This sequence change creates a premature translational stop signal (p.Gln805*) in the POLE gene. It is expected to result in an absent or disrupted protein product. Loss-of-function variants in POLE are known to be pathogenic (PMID: 23230001, 25948378, 30503519).

Literature cited by the submitters: PubMed 23230001; PubMed 25948378; PubMed 30503519.